The following is an entry in ClinVar:

ClinVar aggregate classification (germline): Pathogenic/Likely pathogenic. Review status: criteria provided, multiple submitters, no conflicts (2 of 4 stars). 4 submissions from 3 submitters: Pathogenic (2); Likely pathogenic (2). Last evaluated 2025-08-12.

Conditions:
Hereditary breast ovarian cancer syndrome. Also called: Hereditary breast and ovarian cancer; Hereditary breast and ovarian cancer syndrome (HBOC); Hereditary breast and/or ovarian cancer syndrome; Hereditary breast and ovarian cancer syndrome; BRCA1- and BRCA2-Associated Hereditary Breast and Ovarian Cancer; Breast and ovarian cancer. Identifiers: Orphanet 145, MedGen C0677776, MeSH D061325, MONDO:0003582. Disease mechanism: loss of function.
Pancreatic cancer, susceptibility to, 2. Identifiers: Orphanet 1333, MedGen C3150546, MONDO:0013235, OMIM 613347.
Breast-ovarian cancer, familial, susceptibility to, 2 (BROVCA2). Also called: BRCA2 Hereditary Breast and Ovarian Cancer. Identifiers: Orphanet 145, MedGen C2675520, MONDO:0012933, OMIM 612555. Disease mechanism: loss of function.

Submissions (4):

Mayo Clinic Laboratories, Mayo Clinic
Classification: Pathogenic. Last evaluated: 2025-08-12. Review status: criteria provided, single submitter. Criteria: ACMG Guidelines, 2015. Collection method: clinical testing. Allele origin: germline. Observed: 1 variant allele.
Comment: PM2_supporting, PM5_strong, PVS1

Human Genetics Bochum, Ruhr University Bochum
Classification: Likely pathogenic for Breast-ovarian cancer, familial, susceptibility to, 2. Last evaluated: 2023-07-07. Review status: criteria provided, single submitter. Criteria: ACMG Guidelines, 2015. Collection method: clinical testing. Allele origin: germline. Affected: yes.
Comment: ACMG criteria used to clasify this variant:PVS1, PM2_SUP

Human Genetics Bochum, Ruhr University Bochum
Classification: Likely pathogenic for Pancreatic cancer, susceptibility to, 2. Last evaluated: 2023-01-26. Review status: criteria provided, single submitter. Criteria: ACMG Guidelines, 2015. Collection method: clinical testing. Allele origin: germline. Affected: yes.
Comment: ACMG criteria used to clasify this variant: PVS1, PM2_SUP

Labcorp Genetics (formerly Invitae), Labcorp
Classification: Pathogenic for Hereditary breast ovarian cancer syndrome. Last evaluated: 2022-02-25. Review status: criteria provided, single submitter. Criteria: Invitae Variant Classification Sherloc (09022015). Collection method: clinical testing. Allele origin: germline.
Comment: For these reasons, this variant has been classified as Pathogenic. This variant has not been reported in the literature in individuals affected with BRCA2-related conditions. This variant is not present in population databases (gnomAD no frequency). This sequence change creates a premature translational stop signal (p.Glu1299Aspfs*7) in the BRCA2 gene. It is expected to result in an absent or disrupted protein product. Loss-of-function variants in BRCA2 are known to be pathogenic (PMID: 20104584).

Literature cited by the submitters: PubMed 20104584 (cited by Labcorp Genetics (formerly Invitae), Labcorp).

NM_000059.4(BRCA2):c.3897_3901del (p.Glu1299fs)

Gene: BRCA2 (BRCA2 DNA repair associated; plus strand). Cytogenetic location: 13q13.1.
Variant type: Deletion.
Coding change: c.3897_3901del on transcript NM_000059.4 (MANE Select); coding-DNA positions 3897 to 3901, 5 bases deleted (AATGA; older notation c.3897_3901delAATGA).
Protein change: p.Glu1299fs; shifts the reading frame from glutamic acid 1299.
Molecular consequence: frameshift variant.
Genome position (GRCh38, 1-based): chr13:32,338,252-32,338,256, AATGA deleted; deleting any 5 consecutive bases within chr13:32,338,249-32,338,256 gives the same sequence; the c. name uses the placement nearest the transcript's 3' end. VCF-style (leftmost placement, unchanged base first): chr13-32338248-TTGAAA-T. GRCh37 (hg19) VCF-style: chr13-32912385-TTGAAA-T.
Other names: p.Glu1299Aspfs*7; c.3897_3901del (NM_000059.3); short protein forms E1299fs.
Identifiers: ClinVar variation 2137474 (VCV002137474.6), dbSNP rs2548527137, ClinGen allele CA2499222147.